The following is an entry in ClinVar:

NM_004606.5(TAF1):c.4223C>T (p.Thr1408Ile)

Gene: TAF1 (TATA-box binding protein associated factor 1; plus strand). Cytogenetic location: Xq13.1.
Variant type: single nucleotide variant.
Coding change: c.4223C>T on transcript NM_004606.5 (MANE Select); coding-DNA position 4223, C replaced by T.
Protein change: p.Thr1408Ile; replaces threonine 1408 with isoleucine.
Molecular consequence: missense variant. On other transcripts: non-coding transcript variant (9).
Genome position (GRCh38, 1-based): chrX:71,407,990, C>T. VCF-style: chrX-71407990-C-T. GRCh37 (hg19) VCF-style: chrX-70627840-C-T.
Other names: c.4223C>T, p.Thr1408Ile (NM_001286074.2, NM_001440852.1, NM_001440853.1); c.4160C>T, p.Thr1387Ile (NM_001440854.1, NM_138923.4); short protein forms T1408I, T1387I.
Identifiers: ClinVar variation 4632564 (VCV004632564.1).

ClinVar aggregate classification (germline): Uncertain significance (1 of 4 stars; one submission).

Conditions:
Inborn genetic diseases. Identifiers: MedGen C0950123, MeSH D030342.

gnomAD v4.1: 6 of 1,210,737 alleles (0.0005%); highest among the groups gnomAD compares: Middle Eastern, 0.046%; no homozygotes.

Submission:

Ambry Genetics
Classification: Uncertain significance for Inborn genetic diseases. Last evaluated: 2025-11-08. Review status: criteria provided, single submitter. Criteria: Ambry Variant Classification Scheme 2023. Collection method: clinical testing. Allele origin: germline.
Comment: The c.4283C>T (p.T1428I) alteration is located in exon 28 (coding exon 28) of the TAF1 gene. This alteration results from a C to T substitution at nucleotide position 4283, causing the threonine (T) at amino acid position 1428 to be replaced by an isoleucine (I). Based on data from gnomAD, the T allele has an overall frequency of 0.002% (3/181036) total alleles studied. The highest observed frequency was 0.005% (1/18361) of South Asian alleles. Based on insufficient or conflicting evidence, the clinical significance of this alteration remains unclear.